The following is an entry in ClinVar:

ClinVar aggregate classification (germline): Uncertain significance. Review status: criteria provided, multiple submitters, no conflicts (2 of 4 stars). 2 submissions from 2 submitters: Uncertain significance (2). Last evaluated 2026-06-01.

Conditions:
CACNA1G-related disorder. Also called: CACNA1G-related disorders; CACNA1G-related condition.

Allele frequency attached by ClinVar (database versions not stated): gnomAD 0.00001.
gnomAD v4.1: 105 of 1,586,416 alleles (0.0066%); highest among the groups gnomAD compares: Non-Finnish European, 0.0088%; no homozygotes.

Submissions (2):

CeGaT Center for Human Genetics Tuebingen
Classification: Uncertain significance. Last evaluated: 2026-06-01. Review status: criteria provided, single submitter. Criteria: CeGaT Center For Human Genetics Tuebingen Variant Classification Criteria Version 2. Collection method: clinical testing. Allele origin: germline. Affected: yes. Observed: 2 variant alleles.
Comment: CACNA1G: PP3

PreventionGenetics, part of Exact Sciences
Classification: Uncertain significance for CACNA1G-related condition. Last evaluated: 2023-06-06. Review status: criteria provided, single submitter. Criteria: ACMG Guidelines, 2015. Collection method: clinical testing. Allele origin: germline.
Comment: The CACNA1G c.146A>T variant is predicted to result in the amino acid substitution p.Glu49Val. To our knowledge, this variant has not been reported in the literature. This variant is reported in 0.0024% of alleles in individuals of European (Non-Finnish) descent in gnomAD. At this time, the clinical significance of this variant is uncertain due to the absence of conclusive functional and genetic evidence.

NM_018896.5(CACNA1G):c.146A>T (p.Glu49Val)

Genes: CACNA1G (calcium voltage-gated channel subunit alpha1 G; plus strand), CACNA1G-AS1 (CACNA1G antisense RNA 1; minus strand). Cytogenetic location: 17q21.33.
Variant type: single nucleotide variant.
Coding change: c.146A>T on transcript NM_018896.5 (MANE Select); coding-DNA position 146, A replaced by T.
Protein change: p.Glu49Val; replaces glutamic acid 49 with valine.
Molecular consequence: missense variant. On other transcripts: non-coding transcript variant (5).
Genome position (GRCh38, 1-based): chr17:50,561,605, A>T. VCF-style: chr17-50561605-A-T. GRCh37 (hg19) VCF-style: chr17-48638966-A-T.
Other names: c.146A>T, p.Glu49Val (NM_001256324.2, NM_001256325.2, NM_001256326.2 and 24 more transcripts); short protein forms E49V.
Identifiers: ClinVar variation 2634813 (VCV002634813.24), dbSNP rs1358902283, ClinGen allele CA400222044.